The following is an entry in ClinVar:

NM_001244008.2(KIF1A):c.4744-5C>T

Gene: KIF1A (kinesin family member 1A; minus strand). Cytogenetic location: 2q37.3.
Variant type: single nucleotide variant.
Coding change: c.4744-5C>T on transcript NM_001244008.2 (MANE Select); 5 bases into the intron before coding-DNA position 4744, C replaced by T.
Molecular consequence: intron variant.
Genome position (GRCh38, 1-based): chr2:240,721,043, G>A on the plus strand (C>T on the coding strand, the complement: KIF1A is on the minus strand). VCF-style: chr2-240721043-G-A. GRCh37 (hg19) VCF-style: chr2-241660460-G-A.
Other names: c.4441-5C>T (NM_001379653.1, NM_001379650.1, NM_001379641.1 and 2 more transcripts); c.4717-5C>T (NM_001379645.1, NM_001379633.1); c.4567-5C>T (NM_001379635.1, NM_001379646.1); c.4438-5C>T (NM_001379640.1); c.4465-5C>T (NM_001379639.1); c.4468-5C>T (NM_001379649.1, NM_001320705.2); c.4555-5C>T (NM_001379636.1); c.4720-5C>T (NM_001379632.1); and 7 more.
Identifiers: ClinVar variation 335259 (VCV000335259.53), dbSNP rs117815481, ClinGen allele CA2207308.

ClinVar aggregate classification (germline): Conflicting classifications of pathogenicity. Review status: criteria provided, conflicting classifications (1 of 4 stars). 9 submissions from 9 submitters: Uncertain significance (2); Benign (1); Likely benign (5). 1 of the submissions does not count toward it. Last evaluated 2026-05-27.

Conditions:
Hereditary spastic paraplegia 30. Identifiers: Orphanet 101010, MedGen C5235139, MONDO:0012476.
KIF1A-related disorder. Also called: KIF1A-related disorders; KIF1A-related condition.
Neuropathy, hereditary sensory, type 2C. Also called: KIF1A-Related HSAN2 (HSAN2C); Hereditary sensory and autonomic neuropathy type IIC. Identifiers: Orphanet 970, MedGen C3280168, MONDO:0013634, OMIM 614213.
Intellectual disability, autosomal dominant 9 (NESCAVS). Also called: NESCAV SYNDROME; KIF1A-Related Neurodevelopmental Disorder. Identifiers: Orphanet 662367, MedGen C5393830, MONDO:0013656, OMIM 614255.

Allele frequency attached by ClinVar (database versions not stated): gnomAD 0.00024 and 0.00031; TOPMed 0.00024; ExAC 0.00034; gnomAD exomes 0.00036; 1000 Genomes Project 30x 0.00125; 1000 Genomes Project 0.00160.
gnomAD v4.1: 410 of 1,611,786 alleles (0.025%); highest among the groups gnomAD compares: East Asian, 0.24%; no homozygotes.

Submissions (9):

Women's Health and Genetics/Laboratory Corporation of America, LabCorp
Classification: Likely benign. Last evaluated: 2026-05-27. Review status: criteria provided, single submitter. Criteria: LabCorp Variant Classification Summary - May 2015. Collection method: clinical testing. Allele origin: germline.

Labcorp Genetics (formerly Invitae), Labcorp
Classification: Likely benign for Hereditary spastic paraplegia 30; Neuropathy, hereditary sensory, type 2C; Intellectual disability, autosomal dominant 9. Last evaluated: 2026-01-19. Review status: criteria provided, single submitter. Criteria: Invitae Variant Classification Sherloc (09022015). Collection method: clinical testing. Allele origin: germline.

CeGaT Center for Human Genetics Tuebingen
Classification: Likely benign. Last evaluated: 2025-07-01. Review status: criteria provided, single submitter. Criteria: CeGaT Center For Human Genetics Tuebingen Variant Classification Criteria Version 2. Collection method: clinical testing. Allele origin: germline. Affected: yes. Observed: 3 variant alleles.
Comment: KIF1A: BP4, BP5

Blueprint Genetics
Classification: Likely benign. Last evaluated: 2024-02-12. Review status: criteria provided, single submitter. Criteria: ACMG Guidelines, 2015. Collection method: clinical testing. Allele origin: germline.

Athena Diagnostics
Classification: Benign. Last evaluated: 2020-07-16. Review status: criteria provided, single submitter. Criteria: Athena Diagnostics Criteria. Collection method: clinical testing. Allele origin: unknown.

GeneDx
Classification: Likely benign. Last evaluated: 2020-04-27. Review status: criteria provided, single submitter. Criteria: GeneDx Variant Classification Process June 2021. Collection method: clinical testing. Allele origin: germline. Affected: yes.

Illumina Laboratory Services, Illumina
Classification: Uncertain significance for Spastic paraplegia 30A, autosomal dominant. Last evaluated: 2018-01-13. Review status: criteria provided, single submitter. Criteria: ICSL Variant Classification Criteria 13 December 2019. Collection method: clinical testing. Allele origin: germline.

Genetic Services Laboratory, University of Chicago
Classification: Uncertain significance. Last evaluated: 2017-09-25. Review status: criteria provided, single submitter. Criteria: ACMG Guidelines, 2015. Collection method: clinical testing. Allele origin: germline. Affected: no.

PreventionGenetics, part of Exact Sciences
Classification: Likely benign for KIF1A-related condition. Last evaluated: 2019-11-06. Review status: no assertion criteria provided. Collection method: clinical testing. Allele origin: germline. Not counted in ClinVar's aggregate classification.
Comment: This variant is classified as likely benign based on ACMG/AMP sequence variant interpretation guidelines (Richards et al. 2015 PMID: 25741868, with internal and published modifications).